The following is an entry in ClinVar:

ClinVar aggregate classification (germline): Uncertain significance (1 of 4 stars; one submission).

gnomAD v4.1: 1 of 1,557,828 alleles (0.000064%); highest among the groups gnomAD compares: Non-Finnish European, 0.000087%; no homozygotes.

Submission:

GeneDx
Classification: Uncertain significance. Last evaluated: 2024-10-14. Review status: criteria provided, single submitter. Criteria: GeneDx Variant Classification Process June 2021. Collection method: clinical testing. Allele origin: germline. Affected: yes.
Comment: Not observed at significant frequency in large population cohorts (gnomAD); In silico analysis supports that this missense variant has a deleterious effect on protein structure/function; Has not been previously published as pathogenic or benign to our knowledge

NM_031263.4(HNRNPK):c.949G>C (p.Gly317Arg)

Gene: HNRNPK (heterogeneous nuclear ribonucleoprotein K; minus strand). Cytogenetic location: 9q21.32.
Variant type: single nucleotide variant.
Coding change: c.949G>C on transcript NM_031263.4 (MANE Select); coding-DNA position 949, G replaced by C.
Protein change: p.Gly317Arg; replaces glycine 317 with arginine.
Molecular consequence: missense variant.
Genome position (GRCh38, 1-based): chr9:83,971,886, C>G on the plus strand (G>C on the coding strand, the complement: HNRNPK is on the minus strand). VCF-style: chr9-83971886-C-G. GRCh37 (hg19) VCF-style: chr9-86586801-C-G.
Other names: c.877G>C, p.Gly293Arg (NM_001318186.2, NM_001318187.2); c.949G>C, p.Gly317Arg (NM_001318188.2, NM_002140.5, NM_031262.4); short protein forms G293R, G317R.
Identifiers: ClinVar variation 3777692 (VCV003777692.1).